The following is an entry in ClinVar:

NM_016169.4(SUFU):c.79G>A (p.Ala27Thr)

Genes: SUFU (SUFU negative regulator of hedgehog signaling; plus strand), LOC130004614 (ATAC-STARR-seq lymphoblastoid silent region 2764; plus strand). Cytogenetic location: 10q24.32.
Variant type: single nucleotide variant.
Coding change: c.79G>A on transcript NM_016169.4 (MANE Select); coding-DNA position 79, G replaced by A.
Protein change: p.Ala27Thr; replaces alanine 27 with threonine.
Molecular consequence: missense variant.
Genome position (GRCh38, 1-based): chr10:102,504,231, G>A. VCF-style: chr10-102504231-G-A. GRCh37 (hg19) VCF-style: chr10-104263988-G-A.
Other names: c.79G>A, p.Ala27Thr (NM_001178133.2); short protein forms A27T.
Identifiers: ClinVar variation 943348 (VCV000943348.12), dbSNP rs2062291537, ClinGen allele CA377886376.

ClinVar aggregate classification (germline): Uncertain significance. Review status: criteria provided, multiple submitters, no conflicts (2 of 4 stars). 2 submissions from 2 submitters: Uncertain significance (2). Last evaluated 2021-05-22.

Conditions:
Hereditary cancer-predisposing syndrome. Also called: Neoplastic Syndromes, Hereditary; Hereditary neoplastic syndrome; Hereditary Cancer Syndrome; Tumor predisposition. Identifiers: Orphanet 140162, MedGen C0027672, MeSH D009386, MONDO:0015356.
Medulloblastoma (MDB). Also called: Medulloblastoma, somatic; MEDULLOBLASTOMA PREDISPOSITION SYNDROME. Identifiers: Orphanet 616, MedGen C0025149, MeSH D008527, MONDO:0007959, OMIM 155255, HP:0002885.
Gorlin syndrome. Also called: Nevoid Basal Cell Carcinoma Syndrome; Basal cell nevus syndrome. Identifiers: Orphanet 377, MedGen C0004779, MONDO:0007187.

Allele frequency attached by ClinVar (database versions not stated): gnomAD exomes below 0.00001.
gnomAD v4.1: 1 of 1,611,588 alleles (0.000062%); highest among the groups gnomAD compares: Non-Finnish European, 0.000085%; no homozygotes.

Submissions (2):

Ambry Genetics
Classification: Uncertain significance for Hereditary cancer-predisposing syndrome. Last evaluated: 2021-05-22. Review status: criteria provided, single submitter. Criteria: Ambry Variant Classification Scheme 2023. Collection method: clinical testing. Allele origin: germline.
Comment: The p.A27T variant (also known as c.79G>A), located in coding exon 1 of the SUFU gene, results from a G to A substitution at nucleotide position 79. The alanine at codon 27 is replaced by threonine, an amino acid with similar properties. This amino acid position is well conserved in available vertebrate species. In addition, this alteration is predicted to be tolerated by in silico analysis. Since supporting evidence is limited at this time, the clinical significance of this alteration remains unclear.

Labcorp Genetics (formerly Invitae), Labcorp
Classification: Uncertain significance for Gorlin syndrome; Medulloblastoma. Last evaluated: 2019-08-23. Review status: criteria provided, single submitter. Criteria: Invitae Variant Classification Sherloc (09022015). Collection method: clinical testing. Allele origin: germline.
Comment: This sequence change replaces alanine with threonine at codon 27 of the SUFU protein (p.Ala27Thr). The alanine residue is moderately conserved and there is a small physicochemical difference between alanine and threonine. In summary, the available evidence is currently insufficient to determine the role of this variant in disease. Therefore, it has been classified as a Variant of Uncertain Significance. Algorithms developed to predict the effect of missense changes on protein structure and function (SIFT, PolyPhen-2, Align-GVGD) all suggest that this variant is likely to be tolerated, but these predictions have not been confirmed by published functional studies and their clinical significance is uncertain. This variant has not been reported in the literature in individuals with SUFU-related conditions. This variant is not present in population databases (ExAC no frequency).